The following is an entry in ClinVar:

NM_001613.4(ACTA2):c.653T>G (p.Leu218Arg)

Genes: ACTA2 (actin alpha 2, smooth muscle; minus strand), ACTA2-AS1 (ACTA2 antisense RNA 1; plus strand). Cytogenetic location: 10q23.31.
Variant type: single nucleotide variant.
Coding change: c.653T>G on transcript NM_001613.4 (MANE Select); coding-DNA position 653, T replaced by G.
Protein change: p.Leu218Arg; replaces leucine 218 with arginine.
Molecular consequence: missense variant. On other transcripts: non-coding transcript variant (1), intron variant (1).
Genome position (GRCh38, 1-based): chr10:88,939,662, A>C on the plus strand (T>G on the coding strand, the complement: ACTA2 is on the minus strand). VCF-style: chr10-88939662-A-C. GRCh37 (hg19) VCF-style: chr10-90699419-A-C.
Other names: c.653T>G, p.Leu218Arg (NM_001141945.3, NM_001320855.2, NM_001406462.1 and 2 more transcripts); c.542T>G, p.Leu181Arg (NM_001406466.1); c.524T>G, p.Leu175Arg (NM_001406467.1, NM_001406468.1, NM_001406469.1); c.617-1420T>G (NM_001406471.1); short protein forms L181R, L175R, L218R.
Identifiers: ClinVar variation 2565243 (VCV002565243.2), dbSNP rs2494528918, ClinGen allele CA377511474.

ClinVar aggregate classification (germline): Uncertain significance (1 of 4 stars; one submission).

Conditions:
Familial thoracic aortic aneurysm and aortic dissection (TAAD). Also called: Thoracic aortic aneurysms and dissections. Identifiers: Orphanet 91387, MedGen C4707243, MONDO:0019625.

Submission:

Ambry Genetics
Classification: Uncertain significance for Familial thoracic aortic aneurysm and aortic dissection. Last evaluated: 2023-05-21. Review status: criteria provided, single submitter. Criteria: Ambry Variant Classification Scheme 2023. Collection method: clinical testing. Allele origin: germline.
Comment: The p.L218R variant (also known as c.653T>G), located in coding exon 6 of the ACTA2 gene, results from a T to G substitution at nucleotide position 653. The leucine at codon 218 is replaced by arginine, an amino acid with dissimilar properties. This amino acid position is conserved. In addition, this alteration is predicted to be deleterious by in silico analysis. Since supporting evidence is limited at this time, the clinical significance of this alteration remains unclear.